The following is an entry in ClinVar:

NM_006218.4(PIK3CA):c.862A>C (p.Met288Leu)

Gene: PIK3CA (phosphatidylinositol-4,5-bisphosphate 3-kinase catalytic subunit alpha; plus strand). Cytogenetic location: 3q26.32.
Variant type: single nucleotide variant.
Coding change: c.862A>C on transcript NM_006218.4 (MANE Select); coding-DNA position 862, A replaced by C.
Protein change: p.Met288Leu; replaces methionine 288 with leucine.
Molecular consequence: missense variant.
Genome position (GRCh38, 1-based): chr3:179,203,592, A>C. VCF-style: chr3-179203592-A-C. GRCh37 (hg19) VCF-style: chr3-178921380-A-C.
Other names: short protein forms M288L.
Identifiers: ClinVar variation 2453454 (VCV002453454.2), dbSNP rs2108392664, ClinGen allele CA355279931.

ClinVar aggregate classification (germline): Uncertain significance (1 of 4 stars; one submission).

Conditions:
Inborn genetic diseases. Identifiers: MedGen C0950123, MeSH D030342.

Submission:

Ambry Genetics
Classification: Uncertain significance for Inborn genetic diseases. Last evaluated: 2023-03-08. Review status: criteria provided, single submitter. Criteria: Ambry Variant Classification Scheme 2023. Collection method: clinical testing. Allele origin: germline.
Comment: The p.M288L variant (also known as c.862A>C), located in coding exon 4 of the PIK3CA gene, results from an A to C substitution at nucleotide position 862. The methionine at codon 288 is replaced by leucine, an amino acid with highly similar properties. This amino acid position is conserved. In addition, this alteration is predicted to be tolerated by in silico analysis. Since supporting evidence is limited at this time, the clinical significance of this alteration remains unclear.